The following is an entry in ClinVar:

NM_001379291.1(BRD4):c.3704A>T (p.Glu1235Val)

Gene: BRD4 (bromodomain containing 4; minus strand). Cytogenetic location: 19p13.12.
Variant type: single nucleotide variant.
Coding change: c.3704A>T on transcript NM_001379291.1 (MANE Select); coding-DNA position 3704, A replaced by T.
Protein change: p.Glu1235Val; replaces glutamic acid 1235 with valine.
Molecular consequence: missense variant.
Genome position (GRCh38, 1-based): chr19:15,239,137, T>A on the plus strand (A>T on the coding strand, the complement: BRD4 is on the minus strand). VCF-style: chr19-15239137-T-A. GRCh37 (hg19) VCF-style: chr19-15349948-T-A.
Other names: c.3704A>T, p.Glu1235Val (NM_058243.3); short protein forms E1235V.
Identifiers: ClinVar variation 3722519 (VCV003722519.2).

ClinVar aggregate classification (germline): Uncertain significance (1 of 4 stars; one submission).

gnomAD v4.1: 1 of 1,611,740 alleles (0.000062%); highest among the groups gnomAD compares: Non-Finnish European, 0.000085%; no homozygotes.

Submission:

Labcorp Genetics (formerly Invitae), Labcorp
Classification: Uncertain significance. Last evaluated: 2024-10-09. Review status: criteria provided, single submitter. Criteria: Invitae Variant Classification Sherloc (09022015). Collection method: clinical testing. Allele origin: germline.
Comment: This sequence change replaces glutamic acid, which is acidic and polar, with valine, which is neutral and non-polar, at codon 1235 of the BRD4 protein (p.Glu1235Val). This variant is not present in population databases (gnomAD no frequency). This variant has not been reported in the literature in individuals affected with BRD4-related conditions. An algorithm developed to predict the effect of missense changes on protein structure and function (PolyPhen-2) suggests that this variant is likely to be tolerated. In summary, the available evidence is currently insufficient to determine the role of this variant in disease. Therefore, it has been classified as a Variant of Uncertain Significance.